The following is an entry in ClinVar:

NM_020964.3(EPG5):c.7660C>A (p.Leu2554Ile)

Gene: EPG5 (ectopic P-granules 5 autophagy tethering factor; minus strand). Cytogenetic location: 18q12.3.
Variant type: single nucleotide variant.
Coding change: c.7660C>A on transcript NM_020964.3 (MANE Select); coding-DNA position 7660, C replaced by A.
Protein change: p.Leu2554Ile; replaces leucine 2554 with isoleucine.
Molecular consequence: missense variant.
Genome position (GRCh38, 1-based): chr18:45,852,547, G>T on the plus strand (C>A on the coding strand, the complement: EPG5 is on the minus strand). VCF-style: chr18-45852547-G-T. GRCh37 (hg19) VCF-style: chr18-43432512-G-T.
Other names: short protein forms L2554I.
Identifiers: ClinVar variation 1362288 (VCV001362288.7), dbSNP rs1239915974, ClinGen allele CA402335268.

ClinVar aggregate classification (germline): Uncertain significance (1 of 4 stars; one submission).

Conditions:
Vici syndrome (VICIS). Identifiers: Orphanet 1493, MedGen C1855772, MONDO:0009452, OMIM 242840.

Allele frequency attached by ClinVar (database versions not stated): gnomAD exomes below 0.00001.
gnomAD v4.1: 4 of 1,614,174 alleles (0.00025%); highest among the groups gnomAD compares: Admixed American, 0.0033%; no homozygotes.

Submission:

Labcorp Genetics (formerly Invitae), Labcorp
Classification: Uncertain significance for Vici syndrome. Last evaluated: 2024-02-24. Review status: criteria provided, single submitter. Criteria: Invitae Variant Classification Sherloc (09022015). Collection method: clinical testing. Allele origin: germline.
Comment: This sequence change replaces leucine, which is neutral and non-polar, with isoleucine, which is neutral and non-polar, at codon 2554 of the EPG5 protein (p.Leu2554Ile). This variant is present in population databases (no rsID available, gnomAD 0.003%). This variant has not been reported in the literature in individuals affected with EPG5-related conditions. ClinVar contains an entry for this variant (Variation ID: 1362288). Advanced modeling of protein sequence and biophysical properties (such as structural, functional, and spatial information, amino acid conservation, physicochemical variation, residue mobility, and thermodynamic stability) has been performed at Invitae for this missense variant, however the output from this modeling did not meet the statistical confidence thresholds required to predict the impact of this variant on EPG5 protein function. In summary, the available evidence is currently insufficient to determine the role of this variant in disease. Therefore, it has been classified as a Variant of Uncertain Significance.